The following is an entry in ClinVar:

NM_004268.5(MED17):c.1467-1G>T

Gene: MED17 (mediator complex subunit 17; plus strand). Cytogenetic location: 11q21.
Variant type: single nucleotide variant.
Coding change: c.1467-1G>T on transcript NM_004268.5 (MANE Select); the canonical splice acceptor site of the intron before coding-DNA position 1467, G replaced by T.
Molecular consequence: splice acceptor variant.
Genome position (GRCh38, 1-based): chr11:93,807,517, G>T. VCF-style: chr11-93807517-G-T. GRCh37 (hg19) VCF-style: chr11-93540683-G-T.
Identifiers: ClinVar variation 3612172 (VCV003612172.2).
Genomic context (GRCh38, chr11:93,807,517, plus strand): 5'-TTATGAAATTGTATAAGATAATTTTGAACATCTCTGATTTTTAGTATGTGTGTCTATAAA[G>T]GTCCATTCAACTGCAATTGAATATTGGAGTTGAGCAGATTCGAGTTGTACATAGAGATGG-3'

ClinVar aggregate classification (germline): Likely pathogenic (1 of 4 stars; one submission).

Submission:

Labcorp Genetics (formerly Invitae), Labcorp
Classification: Likely pathogenic. Last evaluated: 2024-03-10. Review status: criteria provided, single submitter. Criteria: Invitae Variant Classification Sherloc (09022015). Collection method: clinical testing. Allele origin: germline.
Comment: This sequence change affects an acceptor splice site in intron 9 of the MED17 gene. It is expected to disrupt RNA splicing. Variants that disrupt the donor or acceptor splice site typically lead to a loss of protein function (PMID: 16199547), and loss-of-function variants in MED17 are known to be pathogenic (PMID: 20950787, 26004231, 30345598). This variant is not present in population databases (gnomAD no frequency). This variant has not been reported in the literature in individuals affected with MED17-related conditions. Algorithms developed to predict the effect of sequence changes on RNA splicing suggest that this variant may disrupt the consensus splice site. In summary, the currently available evidence indicates that the variant is pathogenic, but additional data are needed to prove that conclusively. Therefore, this variant has been classified as Likely Pathogenic.

Literature cited by the submitters: PubMed 16199547; PubMed 20950787; PubMed 26004231; PubMed 30345598.